The following is an entry in ClinVar:

ClinVar aggregate classification (germline): Benign (0 of 4 stars; one submission).

Conditions:
PLXND1-related disorder. Also called: PLXND1-related condition.

Allele frequency attached by ClinVar (database versions not stated): ESP Exome Variant Server 0.08173; TOPMed 0.09638; gnomAD 0.12727; ExAC 0.12808; gnomAD exomes 0.12902; 1000 Genomes Project 30x 0.13257; 1000 Genomes Project 0.13419.
gnomAD v4.1: 163,857 of 1,266,794 alleles (13%); highest among the groups gnomAD compares: East Asian, 41%; 9,983 homozygotes.

Submission:

PreventionGenetics, part of Exact Sciences
Classification: Benign for PLXND1-related condition. Last evaluated: 2019-06-07. Review status: no assertion criteria provided. Collection method: clinical testing. Allele origin: germline.
Comment: This variant is classified as benign based on ACMG/AMP sequence variant interpretation guidelines (Richards et al. 2015 PMID: 25741868, with internal and published modifications).

NM_015103.3(PLXND1):c.1473C>T (p.Asn491=)

Gene: PLXND1 (plexin D1; minus strand). Cytogenetic location: 3q22.1.
Variant type: single nucleotide variant.
Coding change: c.1473C>T on transcript NM_015103.3 (MANE Select); coding-DNA position 1473, C replaced by T.
Protein change: p.Asn491=; no amino-acid change (asparagine 491 retained).
Molecular consequence: synonymous variant.
Genome position (GRCh38, 1-based): chr3:129,589,366, G>A on the plus strand (C>T on the coding strand, the complement: PLXND1 is on the minus strand). VCF-style: chr3-129589366-G-A. GRCh37 (hg19) VCF-style: chr3-129308209-G-A.
Identifiers: ClinVar variation 3059893 (VCV003059893.2), dbSNP rs2285373, ClinGen allele CA2609377.
Genomic context (GRCh38, chr3:129,589,366, plus strand): 5'-AGCCTCCCACCCCCACCCCCTCCCCACATCCCCAACCATACCTACCTTGAGAAGCCTCCC[G>A]TTGACCGTGCCCAGGAAGACCGCTGTGTAGTTGTTGACGCTGGCCACGGCCACGGAGGTG-3'
Protein context (NP_055918.3, residues 481-501): NYTAVFLGTV[Asn491=]GRLLKINLNE